The following is an entry in ClinVar:

ClinVar aggregate classification (germline): Uncertain significance. Review status: criteria provided, multiple submitters, no conflicts (2 of 4 stars). 2 submissions from 2 submitters: Uncertain significance (2). Last evaluated 2025-11-10.

Conditions:
Anauxetic dysplasia. Identifiers: Orphanet 93347, MedGen C1846796, MONDO:0011773.

Allele frequency attached by ClinVar (database versions not stated): TOPMed 0.00002; 1000 Genomes Project 30x 0.00047; 1000 Genomes Project 0.00060.
gnomAD v4.1: 19 of 693,396 alleles (0.0027%); highest among the groups gnomAD compares: Admixed American, 0.02%; no homozygotes.

Submissions (2):

Women's Health and Genetics/Laboratory Corporation of America, LabCorp
Classification: Uncertain significance. Last evaluated: 2025-11-10. Review status: criteria provided, single submitter. Criteria: LabCorp Variant Classification Summary - May 2015. Collection method: clinical testing. Allele origin: germline.
Comment: Variant summary: RMRP n.180C>G (also known as NC_000009.11: chr9:g.35657836G>C) alters a nucleotide in the non-coding RNA. The variant allele was found at a frequency of 1.5e-05 in 130242 control chromosomes. The available data on variant occurrences in the general population are insufficient to allow any conclusion about variant significance. To our knowledge, no occurrence of n.180C>G in individuals affected with RMRP-related conditions and no experimental evidence demonstrating its impact on protein function have been reported. ClinVar contains an entry for this variant (Variation ID: 2161121). Based on the evidence outlined above, the variant was classified as uncertain significance.

Labcorp Genetics (formerly Invitae), Labcorp
Classification: Uncertain significance for Anauxetic dysplasia. Last evaluated: 2022-01-06. Review status: criteria provided, single submitter. Criteria: Invitae Variant Classification Sherloc (09022015). Collection method: clinical testing. Allele origin: germline.
Comment: This variant occurs in the RMRP gene, which encodes an RNA molecule that does not result in a protein product. This variant is present in population databases (rs188907984, gnomAD 0.008%). This variant has not been reported in the literature in individuals affected with RMRP-related conditions. Experimental studies and prediction algorithms are not available or were not evaluated, and the functional significance of this variant is currently unknown. In summary, the available evidence is currently insufficient to determine the role of this variant in disease. Therefore, it has been classified as a Variant of Uncertain Significance.

NR_003051.4(RMRP):n.181C>G

Gene: RMRP (RNA component of mitochondrial RNA processing endoribonuclease; minus strand). Cytogenetic location: 9p13.3.
Variant type: single nucleotide variant.
Genome position: GRCh38 VCF-style: chr9-35657839-G-C. GRCh37 (hg19) VCF-style: chr9-35657836-G-C.
Identifiers: ClinVar variation 2161121 (VCV002161121.2), dbSNP rs188907984, ClinGen allele CA192745580.